The following is an entry in ClinVar:

ClinVar aggregate classification (germline): Uncertain significance. Review status: criteria provided, multiple submitters, no conflicts (2 of 4 stars). 2 submissions from 2 submitters: Uncertain significance (2). Last evaluated 2022-03-13.

Conditions:
Bardet-Biedl syndrome (BBS). Identifiers: Orphanet 110, MedGen C0752166, MONDO:0015229.

Allele frequency attached by ClinVar (database versions not stated): gnomAD exomes below 0.00001; ExAC 0.00001.
gnomAD v4.1: 5 of 1,614,024 alleles (0.00031%); highest among the groups gnomAD compares: Non-Finnish European, 0.00042%; no homozygotes.

Submissions (2):

Labcorp Genetics (formerly Invitae), Labcorp
Classification: Uncertain significance for Bardet-Biedl syndrome. Last evaluated: 2022-03-13. Review status: criteria provided, single submitter. Criteria: Invitae Variant Classification Sherloc (09022015). Collection method: clinical testing. Allele origin: germline.
Comment: This sequence change replaces leucine, which is neutral and non-polar, with proline, which is neutral and non-polar, at codon 69 of the BBS9 protein (p.Leu69Pro). This variant is present in population databases (rs771129780, gnomAD 0.0009%). This variant has not been reported in the literature in individuals affected with BBS9-related conditions. ClinVar contains an entry for this variant (Variation ID: 1011247). Algorithms developed to predict the effect of missense changes on protein structure and function (SIFT, PolyPhen-2, Align-GVGD) all suggest that this variant is likely to be disruptive. In summary, the available evidence is currently insufficient to determine the role of this variant in disease. Therefore, it has been classified as a Variant of Uncertain Significance.

Blueprint Genetics
Classification: Uncertain significance. Last evaluated: 2019-08-16. Review status: criteria provided, single submitter. Criteria: ACMG Guidelines, 2015. Collection method: clinical testing. Allele origin: germline.

NM_198428.3(BBS9):c.206T>C (p.Leu69Pro)

Gene: BBS9 (Bardet-Biedl syndrome 9; plus strand). Cytogenetic location: 7p14.3.
Variant type: single nucleotide variant.
Coding change: c.206T>C on transcript NM_198428.3 (MANE Select); coding-DNA position 206, T replaced by C.
Protein change: p.Leu69Pro; replaces leucine 69 with proline.
Molecular consequence: missense variant. On other transcripts: 5 prime UTR variant (4), non-coding transcript variant (3), intron variant (2).
Genome position (GRCh38, 1-based): chr7:33,152,794, T>C. VCF-style: chr7-33152794-T-C. GRCh37 (hg19) VCF-style: chr7-33192406-T-C.
Other names: c.206T>C, p.Leu69Pro (NM_001033604.2, NM_001033605.2, NM_001348036.1 and 5 more transcripts); c.-96T>C (NM_001348037.3, NM_001348045.3); c.-72T>C (NM_001348038.3, NM_001348039.3); c.71T>C, p.Leu24Pro (NM_001348042.3); c.-39+22753T>C (NM_001348046.3, NM_001348044.3); short protein forms L24P, L69P.
Identifiers: ClinVar variation 1011247 (VCV001011247.7), dbSNP rs771129780, ClinGen allele CA4213899.